The following is an entry in ClinVar:

NM_001388453.1(QRICH2):c.435_439del (p.Glu146fs)

Gene: QRICH2 (glutamine rich 2; minus strand). Cytogenetic location: 17q25.1.
Variant type: Deletion.
Coding change: c.435_439del on transcript NM_001388453.1 (MANE Select); coding-DNA positions 435 to 439, 5 bases deleted (AGAGT; older notation c.435_439delAGAGT).
Protein change: p.Glu146fs; shifts the reading frame from glutamic acid 146.
Molecular consequence: frameshift variant. On other transcripts: non-coding transcript variant (1).
Genome position (GRCh38, 1-based): chr17:76,307,560-76,307,564, ACTCT deleted on the plus strand (AGAGT on the coding strand, the reverse complement: QRICH2 is on the minus strand); deleting any 5 consecutive bases within chr17:76,307,560-76,307,565 gives the same sequence; the c. name uses the placement nearest the transcript's 3' end. VCF-style (leftmost placement, unchanged base first): chr17-76307559-CACTCT-C. GRCh37 (hg19) VCF-style: chr17-74303640-CACTCT-C.
Other names: c.435_439del, p.Glu146fs (NM_032134.3); short protein forms E146fs.
Identifiers: ClinVar variation 5038211 (VCV005038211.1).
Genomic context (GRCh38, chr17:76,307,559, plus strand): 5'-ATGATACTCCCAGTCCGCACCCTATCGAACGCCCGCACGCCCACCTCCTGCTCCTCCGGC[CACTCT>C]AGCGCGGCCAGGTCAAGCCCGCTGGCCTGGGAGAAGTGCTGCACGTGCGTGGCGATGCCC-3'

ClinVar aggregate classification (germline): Likely pathogenic (1 of 4 stars; one submission).

Conditions:
Spermatogenic failure 35. Identifiers: MedGen C5193038, MONDO:0032686, OMIM 618341.

Submission:

MVZ Medizinische Genetik Mainz
Classification: Likely pathogenic for Spermatogenic failure 35. Last evaluated: 2026-01-08. Review status: criteria provided, single submitter. Criteria: UK Practice Guidelines For Variant Classification V4 01 2020. Collection method: clinical testing. Allele origin: germline. Inheritance: Autosomal recessive inheritance. Affected: yes. Observed: 1 variant allele.
Comment: ACMG Criteria: PVS1,PM2_SUP